The following is an entry in ClinVar:

ClinVar aggregate classification (germline): Uncertain significance (1 of 4 stars; one submission).

Conditions:
SCN3A-related disorder. Also called: SCN3A-related condition.

Submission:

GeneDx
Classification: Uncertain significance. Last evaluated: 2025-07-03. Review status: criteria provided, single submitter. Criteria: GeneDx Variant Classification Process June 2021. Collection method: clinical testing. Allele origin: germline.
Comment: Not observed at significant frequency in large population cohorts (gnomAD); In silico analysis supports that this missense variant has a deleterious effect on protein structure/function; Has not been previously published as pathogenic or benign to our knowledge

NM_006922.4(SCN3A):c.2512G>C (p.Glu838Gln)

Gene: SCN3A (sodium voltage-gated channel alpha subunit 3; minus strand). Cytogenetic location: 2q24.3.
Variant type: single nucleotide variant.
Coding change: c.2512G>C on transcript NM_006922.4 (MANE Select); coding-DNA position 2512, G replaced by C.
Protein change: p.Glu838Gln; replaces glutamic acid 838 with glutamine.
Molecular consequence: missense variant.
Genome position (GRCh38, 1-based): chr2:165,131,297, C>G on the plus strand (G>C on the coding strand, the complement: SCN3A is on the minus strand). VCF-style: chr2-165131297-C-G. GRCh37 (hg19) VCF-style: chr2-165987807-C-G.
Other names: c.2365G>C, p.Glu789Gln (NM_001081676.2, NM_001081677.2); short protein forms E789Q, E838Q.
Identifiers: ClinVar variation 3903146 (VCV003903146.2).